The following is an entry in ClinVar:

ClinVar aggregate classification (germline): Uncertain significance (1 of 4 stars; one submission).

Allele frequency attached by ClinVar (database versions not stated): gnomAD exomes below 0.00001.
gnomAD v4.1: 1 of 1,614,130 alleles (0.000062%); highest among the groups gnomAD compares: Non-Finnish European, 0.000085%; no homozygotes.

Submission:

Labcorp Genetics (formerly Invitae), Labcorp
Classification: Uncertain significance. Last evaluated: 2022-11-10. Review status: criteria provided, single submitter. Criteria: Invitae Variant Classification Sherloc (09022015). Collection method: clinical testing. Allele origin: germline.
Comment: This variant has not been reported in the literature in individuals affected with PITPNM3-related conditions. In summary, the available evidence is currently insufficient to determine the role of this variant in disease. Therefore, it has been classified as a Variant of Uncertain Significance. Advanced modeling of protein sequence and biophysical properties (such as structural, functional, and spatial information, amino acid conservation, physicochemical variation, residue mobility, and thermodynamic stability) performed at Invitae indicates that this missense variant is not expected to disrupt PITPNM3 protein function. This variant is not present in population databases (gnomAD no frequency). This sequence change replaces isoleucine, which is neutral and non-polar, with threonine, which is neutral and polar, at codon 323 of the PITPNM3 protein (p.Ile323Thr).

NM_031220.4(PITPNM3):c.968T>C (p.Ile323Thr)

Gene: PITPNM3 (PITPNM family member 3; minus strand). Cytogenetic location: 17p13.2.
Variant type: single nucleotide variant.
Coding change: c.968T>C on transcript NM_031220.4 (MANE Select); coding-DNA position 968, T replaced by C.
Protein change: p.Ile323Thr; replaces isoleucine 323 with threonine.
Molecular consequence: missense variant.
Genome position (GRCh38, 1-based): chr17:6,477,146, A>G on the plus strand (T>C on the coding strand, the complement: PITPNM3 is on the minus strand). VCF-style: chr17-6477146-A-G. GRCh37 (hg19) VCF-style: chr17-6380466-A-G.
Other names: c.860T>C, p.Ile287Thr (NM_001165966.2); short protein forms I287T, I323T.
Identifiers: ClinVar variation 2813360 (VCV002813360.3), dbSNP rs1905351957, ClinGen allele CA397407368.